The following is an entry in ClinVar:

ClinVar aggregate classification (germline): Uncertain significance (1 of 4 stars; one submission).

Conditions:
Beta-D-mannosidosis (MANSB). Also called: Beta-Mannosidosis; MANNOSIDOSIS, BETA A, LYSOSOMAL; BETA-MANNOSIDASE DEFICIENCY; LYSOSOMAL BETA-MANNOSIDASE DEFICIENCY. Identifiers: Orphanet 118, MedGen C4048196, MONDO:0009562, OMIM 248510.

Allele frequency attached by ClinVar (database versions not stated): gnomAD exomes 0.00001.
gnomAD v4.1: 3 of 1,532,972 alleles (0.0002%); highest among the groups gnomAD compares: Admixed American, 0.0059%; no homozygotes.

Submission:

Labcorp Genetics (formerly Invitae), Labcorp
Classification: Uncertain significance for Beta-D-mannosidosis. Last evaluated: 2022-07-19. Review status: criteria provided, single submitter. Criteria: Invitae Variant Classification Sherloc (09022015). Collection method: clinical testing. Allele origin: germline.
Comment: This sequence change falls in intron 1 of the MANBA gene. It does not directly change the encoded amino acid sequence of the MANBA protein. It affects a nucleotide within the consensus splice site. This variant is present in population databases (rs755493385, gnomAD 0.008%). This variant has not been reported in the literature in individuals affected with MANBA-related conditions. ClinVar contains an entry for this variant (Variation ID: 1462448). Variants that disrupt the consensus splice site are a relatively common cause of aberrant splicing (PMID: 17576681, 9536098). Algorithms developed to predict the effect of sequence changes on RNA splicing suggest that this variant is not likely to affect RNA splicing. In summary, the available evidence is currently insufficient to determine the role of this variant in disease. Therefore, it has been classified as a Variant of Uncertain Significance.

Literature cited by the submitters: PubMed 17576681; PubMed 9536098.

NM_005908.4(MANBA):c.177+4T>C

Genes: MANBA (mannosidase beta; minus strand), LOC129992886 (ATAC-STARR-seq lymphoblastoid active region 21757; plus strand). Cytogenetic location: 4q24.
Variant type: single nucleotide variant.
Coding change: c.177+4T>C on transcript NM_005908.4 (MANE Select); 4 bases into the intron after coding-DNA position 177, T replaced by C.
Molecular consequence: intron variant.
Genome position (GRCh38, 1-based): chr4:102,760,714, A>G on the plus strand (T>C on the coding strand, the complement: MANBA is on the minus strand). VCF-style: chr4-102760714-A-G. GRCh37 (hg19) VCF-style: chr4-103681871-A-G.
Identifiers: ClinVar variation 1462448 (VCV001462448.3), dbSNP rs755493385, ClinGen allele CA3027325.